The following is an entry in ClinVar:

NM_001369.3(DNAH5):c.11015G>A (p.Gly3672Glu)

Gene: DNAH5 (dynein axonemal heavy chain 5; minus strand). Cytogenetic location: 5p15.2.
Variant type: single nucleotide variant.
Coding change: c.11015G>A on transcript NM_001369.3 (MANE Select); coding-DNA position 11015, G replaced by A.
Protein change: p.Gly3672Glu; replaces glycine 3672 with glutamic acid.
Molecular consequence: missense variant.
Genome position (GRCh38, 1-based): chr5:13,752,147, C>T on the plus strand (G>A on the coding strand, the complement: DNAH5 is on the minus strand). VCF-style: chr5-13752147-C-T. GRCh37 (hg19) VCF-style: chr5-13752256-C-T.
Other names: short protein forms G3672E.
Identifiers: ClinVar variation 2082208 (VCV002082208.4), dbSNP rs2546611477, ClinGen allele CA359189671.

ClinVar aggregate classification (germline): Uncertain significance (1 of 4 stars; one submission).

Conditions:
Primary ciliary dyskinesia. Also called: Ciliary dyskinesia. Identifiers: Orphanet 244, MedGen C0008780, MONDO:0016575, HP:0012265.

Allele frequency attached by ClinVar (database versions not stated): gnomAD exomes below 0.00001.
gnomAD v4.1: 1 of 1,613,838 alleles (0.000062%); highest among the groups gnomAD compares: Non-Finnish European, 0.000085%; no homozygotes.

Submission:

Labcorp Genetics (formerly Invitae), Labcorp
Classification: Uncertain significance for Primary ciliary dyskinesia. Last evaluated: 2022-01-13. Review status: criteria provided, single submitter. Criteria: Invitae Variant Classification Sherloc (09022015). Collection method: clinical testing. Allele origin: germline.
Comment: In summary, the available evidence is currently insufficient to determine the role of this variant in disease. Therefore, it has been classified as a Variant of Uncertain Significance. Algorithms developed to predict the effect of missense changes on protein structure and function (SIFT, PolyPhen-2, Align-GVGD) all suggest that this variant is likely to be disruptive. This variant has not been reported in the literature in individuals affected with DNAH5-related conditions. This variant is not present in population databases (gnomAD no frequency). This sequence change replaces glycine, which is neutral and non-polar, with glutamic acid, which is acidic and polar, at codon 3672 of the DNAH5 protein (p.Gly3672Glu).